The following is an entry in ClinVar:

NM_004525.3(LRP2):c.11380+1G>A

Gene: LRP2 (LDL receptor related protein 2; minus strand). Cytogenetic location: 2q31.1.
Variant type: single nucleotide variant.
Coding change: c.11380+1G>A on transcript NM_004525.3 (MANE Select); the canonical splice donor site of the intron after coding-DNA position 11380, G replaced by A.
Molecular consequence: splice donor variant.
Genome position (GRCh38, 1-based): chr2:169,170,550, C>T on the plus strand (G>A on the coding strand, the complement: LRP2 is on the minus strand). VCF-style: chr2-169170550-C-T. GRCh37 (hg19) VCF-style: chr2-170027060-C-T.
Identifiers: ClinVar variation 4743115 (VCV004743115.1).

ClinVar aggregate classification (germline): Likely pathogenic (1 of 4 stars; one submission).

Submission:

Labcorp Genetics (formerly Invitae), Labcorp
Classification: Likely pathogenic. Last evaluated: 2025-12-22. Review status: criteria provided, single submitter. Criteria: Invitae Variant Classification Sherloc (09022015). Collection method: clinical testing. Allele origin: germline.
Comment: This sequence change affects a donor splice site in intron 59 of the LRP2 gene. It is expected to disrupt RNA splicing. Variants that disrupt the donor or acceptor splice site typically lead to a loss of protein function (PMID: 16199547), and loss-of-function variants in LRP2 are known to be pathogenic (PMID: 17632512, 25682901). This variant is not present in population databases (gnomAD no frequency). This variant has not been reported in the literature in individuals affected with LRP2-related conditions. Algorithms developed to predict the effect of sequence changes on RNA splicing suggest that this variant may disrupt the consensus splice site. In summary, the currently available evidence indicates that the variant is pathogenic, but additional data are needed to prove that conclusively. Therefore, this variant has been classified as Likely Pathogenic.

Literature cited by the submitters: PubMed 16199547; PubMed 17632512; PubMed 25682901.